The following is an entry in ClinVar:

NM_000222.3(KIT):c.2142-5C>G

Gene: KIT (KIT proto-oncogene, receptor tyrosine kinase; plus strand). Cytogenetic location: 4q12.
Variant type: single nucleotide variant.
Coding change: c.2142-5C>G on transcript NM_000222.3 (MANE Select); 5 bases into the intron before coding-DNA position 2142, C replaced by G.
Molecular consequence: intron variant.
Genome position (GRCh38, 1-based): chr4:54,731,323, C>G. VCF-style: chr4-54731323-C-G. GRCh37 (hg19) VCF-style: chr4-55597489-C-G.
Other names: c.2145-5C>G (NM_001385284.1); c.2145-8C>G (NM_001385290.1); c.2133-5C>G (NM_001385288.1); c.2133-8C>G (NM_001385292.1); c.2142-8C>G (NM_001385285.1); c.2130-5C>G (NM_001093772.2); c.2130-8C>G (NM_001385286.1).
Identifiers: ClinVar variation 855257 (VCV000855257.13), dbSNP rs781283523, ClinGen allele CA2923669.

ClinVar aggregate classification (germline): Conflicting classifications of pathogenicity. Review status: criteria provided, conflicting classifications (1 of 4 stars). 2 submissions from 2 submitters: Uncertain significance (1); Likely benign (1). Last evaluated 2025-05-08.

Conditions:
Gastrointestinal stromal tumor. Also called: Gastrointestinal stromal tumor, somatic; Gastrointestinal stroma tumor. Identifiers: Orphanet 44890, MedGen C0238198, MeSH D046152, MONDO:0011719, OMIM 606764, HP:0100723.
Hereditary cancer-predisposing syndrome. Also called: Neoplastic Syndromes, Hereditary; Tumor predisposition; Hereditary Cancer Syndrome; Hereditary neoplastic syndrome. Identifiers: Orphanet 140162, MedGen C0027672, MeSH D009386, MONDO:0015356.

Allele frequency attached by ClinVar (database versions not stated): ExAC 0.00001; gnomAD exomes 0.00001.
gnomAD v4.1: 8 of 1,608,428 alleles (0.0005%); highest among the groups gnomAD compares: Non-Finnish European, 0.00068%; no homozygotes.

Submissions (2):

Labcorp Genetics (formerly Invitae), Labcorp
Classification: Likely benign for Gastrointestinal stromal tumor. Last evaluated: 2025-05-08. Review status: criteria provided, single submitter. Criteria: Invitae Variant Classification Sherloc (09022015). Collection method: clinical testing. Allele origin: germline.

Ambry Genetics
Classification: Uncertain significance for Hereditary cancer-predisposing syndrome. Last evaluated: 2025-01-19. Review status: criteria provided, single submitter. Criteria: Ambry Variant Classification Scheme 2023. Collection method: clinical testing. Allele origin: germline.
Comment: The c.2142-5C>G intronic variant results from a C to G substitution 5 nucleotides upstream from coding exon 15 in the KIT gene. This nucleotide position is not well conserved in available vertebrate species. In silico splice site analysis predicts that this alteration will not have any significant effect on splicing. Based on the available evidence, the clinical significance of this variant remains unclear.